The following is an entry in ClinVar:

NM_139315.3(TAF6):c.1600C>T (p.Pro534Ser)

Genes: AP4M1 (adaptor related protein complex 4 subunit mu 1; plus strand), TAF6 (TATA-box binding protein associated factor 6; minus strand). Cytogenetic location: 7q22.1.
Variant type: single nucleotide variant.
Coding change: c.1600C>T on transcript NM_139315.3 (MANE Select); coding-DNA position 1600, C replaced by T.
Protein change: p.Pro534Ser; replaces proline 534 with serine.
Molecular consequence: missense variant. On other transcripts: non-coding transcript variant (1), 3 prime UTR variant (2).
Genome position (GRCh38, 1-based): chr7:100,107,982, G>A on the plus strand (C>T on the coding strand, the complement: TAF6 is on the minus strand). VCF-style: chr7-100107982-G-A. GRCh37 (hg19) VCF-style: chr7-99705605-G-A.
Other names: c.1711C>T, p.Pro571Ser (NM_001190415.2); c.1600C>T, p.Pro534Ser (NM_001364998.1, NM_001364999.1, NM_005641.4); c.1570C>T, p.Pro524Ser (NM_001365000.1, NM_001365001.1, NM_001365002.1 and 1 more transcripts); c.1738C>T, p.Pro580Ser (NM_001365004.1); c.*1100G>A (NM_001363671.2, NM_004722.4); short protein forms P524S, P534S, P571S, P580S.
Identifiers: ClinVar variation 810141 (VCV000810141.46), dbSNP rs148566323, ClinGen allele CA4375243.
Genomic context (GRCh38, chr7:100,107,982, plus strand): 5'-ATACCTGCTGGGTGGATGGGGCGCTGGAGGACGATGACATTACAATAAACTTGGTTGGAG[G>A]AGGGGAAGGCTGTGGTGGGGCAGCCGCTCGTGCAGACACCAGTGTCTGGACAGGAAGTGC-3'
Protein context (NP_647476.1, residues 524-544): RAAAPPQPSP[Pro534Ser]PTKFIVMSSS

ClinVar aggregate classification (germline): Uncertain significance. Review status: criteria provided, multiple submitters, no conflicts (2 of 4 stars). 3 submissions from 3 submitters: Uncertain significance (3). Last evaluated 2025-11-19.

Conditions:
Inborn genetic diseases. Identifiers: MedGen C0950123, MeSH D030342.

Allele frequency attached by ClinVar (database versions not stated): ExAC 0.00006; gnomAD 0.00009 and 0.00010; TOPMed 0.00009; ESP Exome Variant Server 0.00031.
gnomAD v4.1: 208 of 1,613,944 alleles (0.013%); highest among the groups gnomAD compares: Non-Finnish European, 0.017%; no homozygotes.

Submissions (3):

Labcorp Genetics (formerly Invitae), Labcorp
Classification: Uncertain significance. Last evaluated: 2025-11-19. Review status: criteria provided, single submitter. Criteria: Invitae Variant Classification Sherloc (09022015). Collection method: clinical testing. Allele origin: germline.
Comment: This sequence change replaces proline, which is neutral and non-polar, with serine, which is neutral and polar, at codon 534 of the TAF6 protein (p.Pro534Ser). This variant is present in population databases (rs148566323, gnomAD 0.01%). This variant has not been reported in the literature in individuals affected with TAF6-related conditions. ClinVar contains an entry for this variant (Variation ID: 810141). Invitae Evidence Modeling of protein sequence and biophysical properties (such as structural, functional, and spatial information, amino acid conservation, physicochemical variation, residue mobility, and thermodynamic stability) indicates that this missense variant is not expected to disrupt TAF6 protein function with a negative predictive value of 80%. In summary, the available evidence is currently insufficient to determine the role of this variant in disease. Therefore, it has been classified as a Variant of Uncertain Significance.

Ambry Genetics
Classification: Uncertain significance for Inborn genetic diseases. Last evaluated: 2023-12-19. Review status: criteria provided, single submitter. Criteria: Ambry Variant Classification Scheme 2023. Collection method: clinical testing. Allele origin: germline.

CeGaT Center for Human Genetics Tuebingen
Classification: Uncertain significance. Last evaluated: 2019-04-01. Review status: criteria provided, single submitter. Criteria: CeGaT Center For Human Genetics Tuebingen Variant Classification Criteria Version 2. Collection method: clinical testing. Allele origin: germline. Affected: yes. Observed: 1 variant allele.